The following is an entry in ClinVar:

ClinVar aggregate classification (germline): Uncertain significance. Review status: criteria provided, multiple submitters, no conflicts (2 of 4 stars). 3 submissions from 3 submitters: Uncertain significance (3). Last evaluated 2026-09-21.

Conditions:
Cardiovascular phenotype. Identifiers: MedGen CN230736.

Allele frequency attached by ClinVar (database versions not stated): gnomAD 0.00001; TOPMed 0.00002; gnomAD exomes 0.00002; ExAC 0.00003.
gnomAD v4.1: 33 of 1,611,844 alleles (0.002%); highest among the groups gnomAD compares: East Asian, 0.0089%; no homozygotes.

Submissions (3):

Molecular Diagnostic Laboratory for Inherited Cardiovascular Disease, Montreal Heart Institute
Classification: Uncertain significance for Cardiovascular phenotype. Last evaluated: 2026-09-21. Review status: criteria provided, single submitter. Criteria: ACMG Guidelines, 2015. Collection method: clinical testing. Allele origin: germline. Affected: yes.
Comment: PM2, BP1

Labcorp Genetics (formerly Invitae), Labcorp
Classification: Uncertain significance. Last evaluated: 2025-11-09. Review status: criteria provided, single submitter. Criteria: Invitae Variant Classification Sherloc (09022015). Collection method: clinical testing. Allele origin: germline.
Comment: This sequence change replaces arginine, which is basic and polar, with cysteine, which is neutral and slightly polar, at codon 1219 of the ALPK3 protein (p.Arg1219Cys). This variant is present in population databases (rs771137848, gnomAD 0.007%). This variant has not been reported in the literature in individuals affected with ALPK3-related conditions. ClinVar contains an entry for this variant (Variation ID: 1512420). Invitae Evidence Modeling of protein sequence and biophysical properties (such as structural, functional, and spatial information, amino acid conservation, physicochemical variation, residue mobility, and thermodynamic stability) indicates that this missense variant is expected to disrupt ALPK3 protein function with a positive predictive value of 80%. In summary, the available evidence is currently insufficient to determine the role of this variant in disease. Therefore, it has been classified as a Variant of Uncertain Significance.

Ambry Genetics
Classification: Uncertain significance for Cardiovascular phenotype. Last evaluated: 2025-08-24. Review status: criteria provided, single submitter. Criteria: Ambry Variant Classification Scheme 2023. Collection method: clinical testing. Allele origin: germline.
Comment: The p.R1219C variant (also known as c.3655C>T), located in coding exon 6 of the ALPK3 gene, results from a C to T substitution at nucleotide position 3655. The arginine at codon 1219 is replaced by cysteine, an amino acid with highly dissimilar properties. This amino acid position is well conserved in available vertebrate species. In addition, the in silico prediction for this alteration is inconclusive. Since supporting evidence is limited at this time, the clinical significance of this alteration remains unclear.

NM_020778.5(ALPK3):c.3049C>T (p.Arg1017Cys)

Gene: ALPK3 (alpha kinase 3; plus strand). Cytogenetic location: 15q25.3.
Variant type: single nucleotide variant.
Coding change: c.3049C>T on transcript NM_020778.5 (MANE Select); coding-DNA position 3049, C replaced by T.
Protein change: p.Arg1017Cys; replaces arginine 1017 with cysteine.
Molecular consequence: missense variant.
Genome position (GRCh38, 1-based): chr15:84,857,787, C>T. VCF-style: chr15-84857787-C-T. GRCh37 (hg19) VCF-style: chr15-85401018-C-T.
Other names: short protein forms R1017C.
Identifiers: ClinVar variation 1512420 (VCV001512420.10), dbSNP rs771137848, ClinGen allele CA7709547.
Genomic context (GRCh38, chr15:84,857,787, plus strand): 5'-CTGACACCCACTGTGGAAGTGGCTGGGCTTAGTCCCCGGACATCGAGGCGCATCCTGGAG[C>T]GTGTGGAGAACAACCACCTGGTGCAGAGTGCACAGACCCTGCTGCTGAGCCCCTGTACCT-3'
Protein context (NP_065829.4, residues 1007-1027): SPRTSRRILE[Arg1017Cys]VENNHLVQSA